The following is an entry in ClinVar:

ClinVar aggregate classification (germline): Likely benign. Review status: criteria provided, single submitter (1 of 4 stars). 2 submissions from 2 submitters: Likely benign (1). 1 of the submissions does not count toward it. Last evaluated 2025-10-04.

Conditions:
TUBGCP6-related disorder. Also called: TUBGCP6-related condition.

Allele frequency attached by ClinVar (database versions not stated): ESP Exome Variant Server 0.00023; TOPMed 0.00024; 1000 Genomes Project 0.00060; 1000 Genomes Project 30x 0.00078.
gnomAD v4.1: 65 of 1,612,922 alleles (0.004%); highest among the groups gnomAD compares: African/African-American, 0.075%; no homozygotes.

Submissions (2):

Labcorp Genetics (formerly Invitae), Labcorp
Classification: Likely benign. Last evaluated: 2025-10-04. Review status: criteria provided, single submitter. Criteria: Invitae Variant Classification Sherloc (09022015). Collection method: clinical testing. Allele origin: germline.

PreventionGenetics, part of Exact Sciences
Classification: Likely benign for TUBGCP6-related condition. Last evaluated: 2019-09-12. Review status: no assertion criteria provided. Collection method: clinical testing. Allele origin: germline. Not counted in ClinVar's aggregate classification.
Comment: This variant is classified as likely benign based on ACMG/AMP sequence variant interpretation guidelines (Richards et al. 2015 PMID: 25741868, with internal and published modifications).

NM_020461.4(TUBGCP6):c.3900C>T (p.His1300=)

Gene: TUBGCP6 (tubulin gamma complex component 6; minus strand). Cytogenetic location: 22q13.33.
Variant type: single nucleotide variant.
Coding change: c.3900C>T on transcript NM_020461.4 (MANE Select); coding-DNA position 3900, C replaced by T.
Protein change: p.His1300=; no amino-acid change (histidine 1300 retained).
Molecular consequence: synonymous variant.
Genome position (GRCh38, 1-based): chr22:50,220,459, G>A on the plus strand (C>T on the coding strand, the complement: TUBGCP6 is on the minus strand). VCF-style: chr22-50220459-G-A. GRCh37 (hg19) VCF-style: chr22-50658888-G-A.
Identifiers: ClinVar variation 748314 (VCV000748314.13), dbSNP rs369328830, ClinGen allele CA10307788.